The following is an entry in ClinVar:

NM_005235.3(ERBB4):c.3250C>A (p.Pro1084Thr)

Gene: ERBB4 (erb-b2 receptor tyrosine kinase 4; minus strand). Cytogenetic location: 2q34.
Variant type: single nucleotide variant.
Coding change: c.3250C>A on transcript NM_005235.3 (MANE Select); coding-DNA position 3250, C replaced by A.
Protein change: p.Pro1084Thr; replaces proline 1084 with threonine.
Molecular consequence: missense variant.
Genome position (GRCh38, 1-based): chr2:211,387,084, G>T on the plus strand (C>A on the coding strand, the complement: ERBB4 is on the minus strand). VCF-style: chr2-211387084-G-T. GRCh37 (hg19) VCF-style: chr2-212251809-G-T.
Other names: c.3202C>A, p.Pro1068Thr (NM_001042599.2); c.3220C>A, p.Pro1074Thr (NM_001439005.1); c.3172C>A, p.Pro1058Thr (NM_001439006.1); short protein forms P1084T, P1058T, P1074T, P1068T.
Identifiers: ClinVar variation 4752223 (VCV004752223.1).
Genomic context (GRCh38, chr2:211,387,084, plus strand): 5'-CATCAAAAATCTCAGCAGTAGCACCCTGTGCCACAGGAGCTTCTGGAATTGTGCTAGTTG[G>T]GGCTCTGTAGGGCACAGACACTCCTTGTTCAGCAGCAAAACCTCCATCTCGGTATACAAA-3'
Protein context (NP_005226.1, residues 1074-1094): EQGVSVPYRA[Pro1084Thr]TSTIPEAPVA

ClinVar aggregate classification (germline): Uncertain significance (1 of 4 stars; one submission).

gnomAD v4.1: 10 of 1,613,840 alleles (0.00062%); highest among the groups gnomAD compares: Admixed American, 0.0033%; no homozygotes.

Submission:

Labcorp Genetics (formerly Invitae), Labcorp
Classification: Uncertain significance. Last evaluated: 2025-12-28. Review status: criteria provided, single submitter. Criteria: Invitae Variant Classification Sherloc (09022015). Collection method: clinical testing. Allele origin: germline.
Comment: This sequence change replaces proline, which is neutral and non-polar, with threonine, which is neutral and polar, at codon 1084 of the ERBB4 protein (p.Pro1084Thr). This variant is present in population databases (rs758164437, gnomAD 0.004%). This variant has not been reported in the literature in individuals affected with ERBB4-related conditions. An algorithm developed to predict the effect of missense changes on protein structure and function outputs the following: PolyPhen-2: "Benign". The threonine amino acid residue is found in multiple mammalian species, which suggests that this missense change does not adversely affect protein function. In summary, the available evidence is currently insufficient to determine the role of this variant in disease. Therefore, it has been classified as a Variant of Uncertain Significance.